The following is an entry in ClinVar:

ClinVar aggregate classification (germline): Uncertain significance. Review status: criteria provided, multiple submitters, no conflicts (2 of 4 stars). 2 submissions from 2 submitters: Uncertain significance (2). Last evaluated 2024-05-26.

Conditions:
Candidiasis, familial, 9 (CANDF9). Identifiers: Orphanet 1334, MedGen C4225324, MONDO:0014642, OMIM 616445.

Submissions (2):

Ambry Genetics
Classification: Uncertain significance. Last evaluated: 2024-05-26. Review status: criteria provided, single submitter. Criteria: Ambry Variant Classification Scheme 2023. Collection method: clinical testing. Allele origin: germline.

Labcorp Genetics (formerly Invitae), Labcorp
Classification: Uncertain significance for Candidiasis, familial, 9. Last evaluated: 2023-06-23. Review status: criteria provided, single submitter. Criteria: Invitae Variant Classification Sherloc (09022015). Collection method: clinical testing. Allele origin: germline.
Comment: This sequence change replaces alanine, which is neutral and non-polar, with threonine, which is neutral and polar, at codon 774 of the IL17RC protein (p.Ala774Thr). This variant is not present in population databases (gnomAD no frequency). This variant has not been reported in the literature in individuals affected with IL17RC-related conditions. Experimental studies and prediction algorithms are not available or were not evaluated, and the functional significance of this variant is currently unknown. In summary, the available evidence is currently insufficient to determine the role of this variant in disease. Therefore, it has been classified as a Variant of Uncertain Significance.

NM_153460.4(IL17RC):c.2107G>A (p.Ala703Thr)

Genes: IL17RC (interleukin 17 receptor C; plus strand), LOC129936144 (ATAC-STARR-seq lymphoblastoid silent region 14051; plus strand). Cytogenetic location: 3p25.3.
Variant type: single nucleotide variant.
Coding change: c.2107G>A on transcript NM_153460.4 (MANE Select); coding-DNA position 2107, G replaced by A.
Protein change: p.Ala703Thr; replaces alanine 703 with threonine.
Molecular consequence: missense variant. On other transcripts: non-coding transcript variant (1).
Genome position (GRCh38, 1-based): chr3:9,933,537, G>A. VCF-style: chr3-9933537-G-A. GRCh37 (hg19) VCF-style: chr3-9975221-G-A.
Other names: c.2068G>A, p.Ala690Thr (NM_001203263.2); c.2017G>A, p.Ala673Thr (NM_001203264.2); c.2011G>A, p.Ala671Thr (NM_001203265.2); c.2029G>A, p.Ala677Thr (NM_001367278.1); c.1948G>A, p.Ala650Thr (NM_001367279.1); c.2023G>A, p.Ala675Thr (NM_001367280.1); c.1972G>A, p.Ala658Thr (NM_001410711.1); c.2062G>A, p.Ala688Thr (NM_032732.6); and 2 more; short protein forms A677T, A703T, A650T, A671T, A673T, A688T, A690T, A658T.
Identifiers: ClinVar variation 2996418 (VCV002996418.4), dbSNP rs980705815, ClinGen allele CA69999273.